The following is an entry in ClinVar:

ClinVar aggregate classification (germline): Uncertain significance (1 of 4 stars; one submission).

Allele frequency attached by ClinVar (database versions not stated): gnomAD 0.00001.

Submission:

Labcorp Genetics (formerly Invitae), Labcorp
Classification: Uncertain significance. Last evaluated: 2024-01-19. Review status: criteria provided, single submitter. Criteria: Invitae Variant Classification Sherloc (09022015). Collection method: clinical testing. Allele origin: germline.
Comment: This sequence change replaces arginine, which is basic and polar, with tryptophan, which is neutral and slightly polar, at codon 176 of the PQBP1 protein (p.Arg176Trp). This variant is not present in population databases (gnomAD no frequency). This variant has not been reported in the literature in individuals affected with PQBP1-related conditions. ClinVar contains an entry for this variant (Variation ID: 2191509). Advanced modeling of protein sequence and biophysical properties (such as structural, functional, and spatial information, amino acid conservation, physicochemical variation, residue mobility, and thermodynamic stability) performed at Invitae indicates that this missense variant is not expected to disrupt PQBP1 protein function with a negative predictive value of 80%. In summary, the available evidence is currently insufficient to determine the role of this variant in disease. Therefore, it has been classified as a Variant of Uncertain Significance.

NM_001032382.2(PQBP1):c.526C>T (p.Arg176Trp)

Gene: PQBP1 (polyglutamine binding protein 1; plus strand). Cytogenetic location: Xp11.23.
Variant type: single nucleotide variant.
Coding change: c.526C>T on transcript NM_001032382.2 (MANE Select); coding-DNA position 526, C replaced by T.
Protein change: p.Arg176Trp; replaces arginine 176 with tryptophan.
Molecular consequence: missense variant. On other transcripts: intron variant (1).
Genome position (GRCh38, 1-based): chrX:48,902,466, C>T. VCF-style: chrX-48902466-C-T. GRCh37 (hg19) VCF-style: chrX-48759743-C-T.
Other names: c.526C>T, p.Arg176Trp (NM_001032381.2, NM_001032383.2, NM_001032384.1 and 2 more transcripts); c.502C>T, p.Arg168Trp (NM_001167990.2); c.226C>T, p.Arg76Trp (NM_001167992.1); c.293-266C>T (NM_144495.3); short protein forms R168W, R176W, R76W.
Identifiers: ClinVar variation 2191509 (VCV002191509.4), dbSNP rs2063435670, ClinGen allele CA412890639.